The following is an entry in ClinVar:

ClinVar aggregate classification (germline): Likely benign (1 of 4 stars; one submission).

Submission:

CeGaT Center for Human Genetics Tuebingen
Classification: Likely benign. Last evaluated: 2022-07-01. Review status: criteria provided, single submitter. Criteria: CeGaT Center For Human Genetics Tuebingen Variant Classification Criteria Version 2. Collection method: clinical testing. Allele origin: germline. Affected: yes. Observed: 1 variant allele.
Comment: MACF1: PM2:Supporting, BP4, BP7

NM_001394062.1(MACF1):c.13890G>A (p.Glu4630=)

Gene: MACF1 (microtubule actin crosslinking factor 1; plus strand). Cytogenetic location: 1p34.3.
Variant type: single nucleotide variant.
Coding change: c.13890G>A on transcript NM_001394062.1 (MANE Select); coding-DNA position 13890, G replaced by A.
Protein change: p.Glu4630=; no amino-acid change (glutamic acid 4630 retained).
Molecular consequence: synonymous variant.
Genome position (GRCh38, 1-based): chr1:39,385,475, G>A. VCF-style: chr1-39385475-G-A. GRCh37 (hg19) VCF-style: chr1-39851147-G-A.
Other names: c.7704G>A, p.Glu2568= (NM_012090.5).
Identifiers: ClinVar variation 2638701 (VCV002638701.24), dbSNP rs1309339379, ClinGen allele CA417281251.